The following is an entry in ClinVar:

ClinVar aggregate classification (germline): Conflicting classifications of pathogenicity. Review status: criteria provided, conflicting classifications (1 of 4 stars). 3 submissions from 3 submitters: Uncertain significance (1); Benign (1). 1 of the submissions does not count toward it. Last evaluated 2026-01-16.

Conditions:
Hypomyelination and Congenital Cataract (HLD5). Also called: hypomyelinating leukodystrophy 5. Identifiers: Orphanet 85163, MedGen C1864663, MONDO:0012514, OMIM 610532.
HYCC1-related disorder. Also called: HYCC1-related condition.

Allele frequency attached by ClinVar (database versions not stated): gnomAD exomes 0.00008 and 0.00016; ESP Exome Variant Server 0.00054; 1000 Genomes Project 0.00040; gnomAD 0.00086 and 0.00080; ExAC 0.00013; 1000 Genomes Project 30x 0.00031; TOPMed 0.00096.
gnomAD v4.1: 255 of 1,613,300 alleles (0.016%); highest among the groups gnomAD compares: African/African-American, 0.29%; 1 homozygote.

Submissions (3):

Labcorp Genetics (formerly Invitae), Labcorp
Classification: Benign for Hypomyelination and Congenital Cataract. Last evaluated: 2026-01-16. Review status: criteria provided, single submitter. Criteria: Invitae Variant Classification Sherloc (09022015). Collection method: clinical testing. Allele origin: germline.

Illumina Laboratory Services, Illumina
Classification: Uncertain significance for Hypomyelination and Congenital Cataract. Last evaluated: 2018-01-12. Review status: criteria provided, single submitter. Criteria: ICSL Variant Classification Criteria 13 December 2019. Collection method: clinical testing. Allele origin: germline.

PreventionGenetics, part of Exact Sciences
Classification: Likely benign for HYCC1-related condition. Last evaluated: 2021-04-14. Review status: no assertion criteria provided. Collection method: clinical testing. Allele origin: germline. Not counted in ClinVar's aggregate classification.
Comment: This variant is classified as likely benign based on ACMG/AMP sequence variant interpretation guidelines (Richards et al. 2015 PMID: 25741868, with internal and published modifications).

NM_032581.4(HYCC1):c.582C>T (p.Tyr194=)

Gene: HYCC1 (hyccin PI4KA lipid kinase complex subunit 1; minus strand). Cytogenetic location: 7p15.3.
Variant type: single nucleotide variant.
Coding change: c.582C>T on transcript NM_032581.4 (MANE Select); coding-DNA position 582, C replaced by T.
Protein change: p.Tyr194=; no amino-acid change (tyrosine 194 retained).
Molecular consequence: synonymous variant.
Genome position (GRCh38, 1-based): chr7:22,976,254, G>A on the plus strand (C>T on the coding strand, the complement: HYCC1 is on the minus strand). VCF-style: chr7-22976254-G-A. GRCh37 (hg19) VCF-style: chr7-23015873-G-A.
Other names: c.582C>T, p.Tyr194= (NM_001363466.2, NM_001363467.2).
Identifiers: ClinVar variation 767086 (VCV000767086.16), dbSNP rs148453182, ClinGen allele CA4185969.